The following is an entry in ClinVar:

ClinVar aggregate classification (germline): Uncertain significance (1 of 4 stars; one submission).

Conditions:
Inborn genetic diseases. Identifiers: MedGen C0950123, MeSH D030342.

Submission:

Ambry Genetics
Classification: Uncertain significance for Inborn genetic diseases. Last evaluated: 2025-01-02. Review status: criteria provided, single submitter. Criteria: Ambry Variant Classification Scheme 2023. Collection method: clinical testing. Allele origin: germline.
Comment: The c.6456G>A (p.V2152V) alteration is located in exon 45 (coding exon 44) of the CNOT1 gene. This alteration consists of a G to A substitution at nucleotide position 6456. This nucleotide substitution does not change the amino acid at codon 2152. This variant was not reported in population-based cohorts in the Genome Aggregation Database (gnomAD). This nucleotide position is highly conserved in available vertebrate species. In silico splice site analysis predicts that this alteration has a significant effect on splicing. Based on insufficient or conflicting evidence, the clinical significance of this alteration remains unclear.

NM_016284.5(CNOT1):c.6456G>A (p.Val2152=)

Gene: CNOT1 (CCR4-NOT transcription complex subunit 1; minus strand). Cytogenetic location: 16q21.
Variant type: single nucleotide variant.
Coding change: c.6456G>A on transcript NM_016284.5 (MANE Select); coding-DNA position 6456, G replaced by A.
Protein change: p.Val2152=; no amino-acid change (valine 2152 retained).
Molecular consequence: synonymous variant. On other transcripts: non-coding transcript variant (1).
Genome position (GRCh38, 1-based): chr16:58,526,136, C>T on the plus strand (G>A on the coding strand, the complement: CNOT1 is on the minus strand). VCF-style: chr16-58526136-C-T. GRCh37 (hg19) VCF-style: chr16-58560040-C-T.
Other names: c.6441G>A, p.Val2147= (NM_001265612.2).
Identifiers: ClinVar variation 3834552 (VCV003834552.1).